The following is an entry in ClinVar:

NM_000163.5(GHR):c.379A>G (p.Ile127Val)

Gene: GHR (growth hormone receptor; plus strand). Cytogenetic location: 5p12.
Variant type: single nucleotide variant.
Coding change: c.379A>G on transcript NM_000163.5 (MANE Select); coding-DNA position 379, A replaced by G.
Protein change: p.Ile127Val; replaces isoleucine 127 with valine.
Molecular consequence: missense variant.
Genome position (GRCh38, 1-based): chr5:42,695,029, A>G. VCF-style: chr5-42695029-A-G. GRCh37 (hg19) VCF-style: chr5-42695131-A-G.
Other names: c.400A>G, p.Ile134Val (NM_001242399.2); c.379A>G, p.Ile127Val (NM_001242400.2, NM_001242401.4, NM_001242402.2 and 5 more transcripts); c.313A>G, p.Ile105Val (NM_001242460.2); short protein forms I105V, I127V, I134V.
Identifiers: ClinVar variation 2502046 (VCV002502046.1), dbSNP rs751699151, ClinGen allele CA3254386.

ClinVar aggregate classification (germline): Uncertain significance (1 of 4 stars; one submission).

Allele frequency attached by ClinVar (database versions not stated): gnomAD exomes below 0.00001; ExAC 0.00001.
gnomAD v4.1: 2 of 1,611,012 alleles (0.00012%); highest among the groups gnomAD compares: East Asian, 0.0022%; no homozygotes.

Submission:

GeneDx
Classification: Uncertain significance. Last evaluated: 2022-11-11. Review status: criteria provided, single submitter. Criteria: GeneDx Variant Classification Process June 2021. Collection method: clinical testing. Allele origin: germline. Affected: yes.
Comment: In silico analysis supports that this missense variant does not alter protein structure/function; Has not been previously published as pathogenic or benign to our knowledge